The following is an entry in ClinVar:

NM_001308093.3(GATA4):c.347C>T (p.Ser116Phe)

Gene: GATA4 (GATA binding protein 4). Cytogenetic location: 8p23.1.
Variant type: single nucleotide variant.
Coding change: c.347C>T on transcript NM_001308093.3 (MANE Select); coding-DNA position 347, C replaced by T.
Protein change: p.Ser116Phe; replaces serine 116 with phenylalanine.
Molecular consequence: missense variant. On other transcripts: intron variant (3).
Genome position (GRCh38, 1-based): chr8:11,708,659, C>T. VCF-style: chr8-11708659-C-T. GRCh37 (hg19) VCF-style: chr8-11566168-C-T.
Other names: c.347C>T, p.Ser116Phe (NM_002052.5); c.-6+7881C>T (NM_001308094.2); c.-3+645C>T (NM_001374274.1); c.-3+4355C>T (NM_001374273.1); short protein forms S116F.
Identifiers: ClinVar variation 2002994 (VCV002002994.4), dbSNP rs539403410, ClinGen allele CA172074830.
Genomic context (GRCh38, chr8:11,708,659, plus strand): 5'-GAGCCGCTTACACCCCGCCGCCGGTGTCGCCGCGCTTCTCCTTCCCGGGGACCACCGGGT[C>T]CCTGGCGGCCGCCGCCGCCGCTGCCGCGGCCCGGGAAGCTGCGGCCTACAGCAGTGGCGG-3'
Protein context (NP_001295022.1, residues 106-126): PRFSFPGTTG[Ser116Phe]LAAAAAAAAA

ClinVar aggregate classification (germline): Uncertain significance (1 of 4 stars; one submission).

Conditions:
Atrioventricular septal defect 4 (AVSD4). Identifiers: MedGen C3280781, MONDO:0013747, OMIM 614430.

Allele frequency attached by ClinVar (database versions not stated): gnomAD 0.00001; 1000 Genomes Project 30x 0.00016; 1000 Genomes Project 0.00020.

Submission:

Labcorp Genetics (formerly Invitae), Labcorp
Classification: Uncertain significance for Atrioventricular septal defect 4. Last evaluated: 2022-06-08. Review status: criteria provided, single submitter. Criteria: Invitae Variant Classification Sherloc (09022015). Collection method: clinical testing. Allele origin: germline.
Comment: This variant has not been reported in the literature in individuals affected with GATA4-related conditions. This variant is not present in population databases (gnomAD no frequency). This sequence change replaces serine, which is neutral and polar, with phenylalanine, which is neutral and non-polar, at codon 116 of the GATA4 protein (p.Ser116Phe). Algorithms developed to predict the effect of missense changes on protein structure and function are either unavailable or do not agree on the potential impact of this missense change (SIFT: "Tolerated"; PolyPhen-2: "Possibly Damaging"; Align-GVGD: "Class C0"). In summary, the available evidence is currently insufficient to determine the role of this variant in disease. Therefore, it has been classified as a Variant of Uncertain Significance.